The following is an entry in ClinVar:

NM_000388.4(CASR):c.2527G>A (p.Ala843Thr)

Gene: CASR (calcium sensing receptor; plus strand). Cytogenetic location: 3q21.1.
Variant type: single nucleotide variant.
Coding change: c.2527G>A on transcript NM_000388.4 (MANE Select); coding-DNA position 2527, G replaced by A.
Protein change: p.Ala843Thr; replaces alanine 843 with threonine.
Molecular consequence: missense variant.
Genome position (GRCh38, 1-based): chr3:122,284,481, G>A. VCF-style: chr3-122284481-G-A. GRCh37 (hg19) VCF-style: chr3-122003328-G-A.
Other names: c.2557G>A, p.Ala853Thr (NM_001178065.2); short protein forms A853T, A843T.
Identifiers: ClinVar variation 2451467 (VCV002451467.6), dbSNP rs2074940048, ClinGen allele CA354160168.
Genomic context (GRCh38, chr3:122,284,481, plus strand): 5'-CCAGCCTATGCCAGCACCTATGGCAAGTTTGTCTCTGCCGTAGAGGTGATTGCCATCCTG[G>A]CAGCCAGCTTTGGCTTGCTGGCGTGCATCTTCTTCAACAAGATCTACATCATTCTCTTCA-3'
Protein context (NP_000379.3, residues 833-853): VSAVEVIAIL[Ala843Thr]ASFGLLACIF

ClinVar aggregate classification (germline): Uncertain significance. Review status: criteria provided, multiple submitters, no conflicts (2 of 4 stars). 3 submissions from 3 submitters: Uncertain significance (3). Last evaluated 2026-01-21.

Conditions:
Familial hypocalciuric hypercalcemia (FHH). Also called: Familial benign hypercalcemia. Identifiers: Orphanet 405, MedGen C1809471, MONDO:0018458.
Autosomal dominant hypocalcemia 1 (HYPOC1). Also called: HYPOCALCEMIA, FAMILIAL. Identifiers: MedGen C3715128, MONDO:0011013, OMIM 601198.
Nephrolithiasis/nephrocalcinosis. Identifiers: MedGen CN580796.

Allele frequency attached by ClinVar (database versions not stated): TOPMed below 0.00001.

Submissions (3):

Dasa
Classification: Uncertain significance. Last evaluated: 2026-01-21. Review status: criteria provided, single submitter. Criteria: DASA Assertion Criteria. Collection method: clinical testing. Allele origin: germline.
Comment: NM_000388.4(CASR):c.2527G>A (p.Ala843Thr) is a missense variant that results in the substitution of alanine with threonine. This variant is rare in population databases. Computational prediction algorithms are consistent with a deleterious effect. The currently available literature and clinical evidence are not sufficient to establish a definitive association between this variant and the reported condition. Therefore, this variant is classified as a variant of uncertain significance.

Labcorp Genetics (formerly Invitae), Labcorp
Classification: Uncertain significance for Familial hypocalciuric hypercalcemia; Autosomal dominant hypocalcemia 1. Last evaluated: 2024-12-15. Review status: criteria provided, single submitter. Criteria: Invitae Variant Classification Sherloc (09022015). Collection method: clinical testing. Allele origin: germline.
Comment: This sequence change replaces alanine, which is neutral and non-polar, with threonine, which is neutral and polar, at codon 843 of the CASR protein (p.Ala843Thr). This variant is not present in population databases (gnomAD no frequency). This variant has not been reported in the literature in individuals affected with CASR-related conditions. ClinVar contains an entry for this variant (Variation ID: 2451467). An algorithm developed to predict the effect of missense changes on protein structure and function (PolyPhen-2) suggests that this variant is likely to be disruptive. This variant disrupts the p.Ala843 amino acid residue in CASR. Other variant(s) that disrupt this residue have been determined to be pathogenic (PMID: 10217436, 12107202, 17284438, 18556971, 23169696). This suggests that this residue is clinically significant, and that variants that disrupt this residue are likely to be disease-causing. In summary, the available evidence is currently insufficient to determine the role of this variant in disease. Therefore, it has been classified as a Variant of Uncertain Significance.

Ambry Genetics
Classification: Uncertain significance for Nephrolithiasis/nephrocalcinosis. Last evaluated: 2023-02-20. Review status: criteria provided, single submitter. Criteria: Ambry Variant Classification Scheme 2023. Collection method: clinical testing. Allele origin: germline.
Comment: The p.A843T variant (also known as c.2527G>A), located in coding exon 6 of the CASR gene, results from a G to A substitution at nucleotide position 2527. The alanine at codon 843 is replaced by threonine, an amino acid with similar properties. This amino acid position is conserved. In addition, this alteration is predicted to be deleterious by in silico analysis. Since supporting evidence is limited at this time, the clinical significance of this alteration remains unclear.

Literature cited by the submitters: PubMed 10217436 (cited by Labcorp Genetics (formerly Invitae), Labcorp); PubMed 12107202 (cited by Labcorp Genetics (formerly Invitae), Labcorp); PubMed 17284438 (cited by Labcorp Genetics (formerly Invitae), Labcorp); PubMed 18556971 (cited by Labcorp Genetics (formerly Invitae), Labcorp); PubMed 23169696 (cited by Labcorp Genetics (formerly Invitae), Labcorp).